The following is an entry in ClinVar:

ClinVar aggregate classification (germline): Conflicting classifications of pathogenicity. Review status: criteria provided, conflicting classifications (1 of 4 stars). 2 submissions from 2 submitters: Uncertain significance (1); Likely benign (1). Last evaluated 2025-07-10.

Conditions:
Inborn genetic diseases. Identifiers: MedGen C0950123, MeSH D030342.

Allele frequency attached by ClinVar (database versions not stated): TOPMed 0.00003; gnomAD 0.00005; ExAC 0.00006; gnomAD exomes 0.00008; ESP Exome Variant Server 0.00015.
gnomAD v4.1: 122 of 1,601,050 alleles (0.0076%); highest among the groups gnomAD compares: Non-Finnish European, 0.0085%; no homozygotes.

Submissions (2):

Ambry Genetics
Classification: Likely benign for Inborn genetic diseases. Last evaluated: 2025-07-10. Review status: criteria provided, single submitter. Criteria: Ambry Variant Classification Scheme 2023. Collection method: clinical testing. Allele origin: germline.

Women's Health and Genetics/Laboratory Corporation of America, LabCorp
Classification: Uncertain significance. Last evaluated: 2024-04-22. Review status: criteria provided, single submitter. Criteria: LabCorp Variant Classification Summary - May 2015. Collection method: clinical testing. Allele origin: germline.
Comment: Variant summary: STAG1 c.471+6G>A alters a non-conserved nucleotide located close to a canonical splice site and therefore could affect mRNA splicing, leading to a significantly altered protein sequence. The variant allele was found at a frequency of 5.6e-05 in 248870 control chromosomes. To our knowledge, no occurrence of c.471+6G>A in individuals affected with Mental Retardation, Autosomal Dominant 47 and no experimental evidence demonstrating its impact on protein function have been reported. No submitters have cited clinical-significance assessments for this variant to ClinVar. Based on the evidence outlined above, the variant was classified as uncertain significance.

NM_005862.3(STAG1):c.471+6G>A

Gene: STAG1 (STAG1 cohesin complex component; minus strand). Cytogenetic location: 3q22.3.
Variant type: single nucleotide variant.
Coding change: c.471+6G>A on transcript NM_005862.3 (MANE Select); 6 bases into the intron after coding-DNA position 471, G replaced by A.
Molecular consequence: intron variant.
Genome position (GRCh38, 1-based): chr3:136,542,113, C>T on the plus strand (G>A on the coding strand, the complement: STAG1 is on the minus strand). VCF-style: chr3-136542113-C-T. GRCh37 (hg19) VCF-style: chr3-136260955-C-T.
Other names: c.471+6G>A (NM_005862.2).
Identifiers: ClinVar variation 3251800 (VCV003251800.2), dbSNP rs370146152.